The following is an entry in ClinVar:

NM_000038.5(APC):c.1412dupG

Gene: APC (APC regulator of Wnt signaling pathway; plus strand). Cytogenetic location: 5q22.2.
Variant type: Duplication.
Coding change: c.1412dupG on transcript NM_000038.5; coding-DNA position 1412, one base duplicated (G).
Genome position (GRCh38, 1-based): chr5:112,827,111, G duplicated; the last of 5 consecutive G bases (chr5:112,827,107-112,827,111); duplicating any one gives the same sequence. VCF-style (leftmost placement, unchanged base first): chr5-112827106-A-AG. GRCh37 (hg19) VCF-style: chr5-112162803-A-AG.
Identifiers: ClinVar variation 1772067 (VCV001772067.9), dbSNP rs1580564136, ClinGen allele CA915942599.

ClinVar aggregate classification (germline): Pathogenic. Review status: criteria provided, multiple submitters, no conflicts (2 of 4 stars). 3 submissions from 3 submitters: Pathogenic (3). Last evaluated 2025-05-13.

Conditions:
Hereditary cancer-predisposing syndrome. Also called: Hereditary neoplastic syndrome; Neoplastic Syndromes, Hereditary; Tumor predisposition; Hereditary Cancer Syndrome. Identifiers: Orphanet 140162, MedGen C0027672, MeSH D009386, MONDO:0015356.
Familial adenomatous polyposis 1 (FAP1). Also called: POLYPOSIS, ADENOMATOUS INTESTINAL; FAMILIAL ADENOMATOUS POLYPOSIS 1, ATTENUATED. Identifiers: MedGen C2713442, MONDO:0021056, OMIM 175100. Disease mechanism: loss of function.

Submissions (3):

Labcorp Genetics (formerly Invitae), Labcorp
Classification: Pathogenic for Familial adenomatous polyposis 1. Last evaluated: 2025-05-13. Review status: criteria provided, single submitter. Criteria: Invitae Variant Classification Sherloc (09022015). Collection method: clinical testing. Allele origin: germline.
Comment: This sequence change creates a premature translational stop signal (p.Leu472Thrfs*13) in the APC gene. It is expected to result in an absent or disrupted protein product. Loss-of-function variants in APC are known to be pathogenic (PMID: 17963004, 20685668). This variant is not present in population databases (gnomAD no frequency). This variant has not been reported in the literature in individuals affected with APC-related conditions. ClinVar contains an entry for this variant (Variation ID: 1772067). Algorithms developed to predict the effect of sequence changes on RNA splicing suggest that this variant may disrupt the consensus splice site. For these reasons, this variant has been classified as Pathogenic.

Ambry Genetics
Classification: Pathogenic for Hereditary cancer-predisposing syndrome. Last evaluated: 2025-04-07. Review status: criteria provided, single submitter. Criteria: Ambry Variant Classification Scheme 2023. Collection method: clinical testing. Allele origin: germline.
Comment: The c.1412dupG pathogenic mutation, located in coding exon 11 of the APC gene, results from a duplication of G at nucleotide position 1412, causing a translational frameshift with a predicted alternate stop codon (p.L472Tfs*13). This alteration has been observed in at least one individual with a personal and/or family history that is consistent with APC-related disease (Ambry internal data). This variant is considered to be rare based on population cohorts in the Genome Aggregation Database (gnomAD). This alteration is expected to result in loss of function by premature protein truncation or nonsense-mediated mRNA decay. As such, this alteration is interpreted as a disease-causing mutation.

Myriad Genetics, Inc.
Classification: Pathogenic for Familial adenomatous polyposis 1. Last evaluated: 2023-05-01. Review status: criteria provided, single submitter. Criteria: Myriad Autosomal Dominant, Autosomal Recessive and X-Linked Classification Criteria (2023). Collection method: clinical testing. Allele origin: unknown.
Comment: This variant is considered pathogenic. This variant creates a frameshift predicted to result in premature protein truncation.

Literature cited by the submitters: PubMed 17963004 (cited by Labcorp Genetics (formerly Invitae), Labcorp); PubMed 20685668 (cited by Labcorp Genetics (formerly Invitae), Labcorp).